The following is an entry in ClinVar:

ClinVar aggregate classification (germline): Pathogenic (1 of 4 stars; one submission).

Conditions:
Juvenile retinoschisis (RS1). Also called: X-linked retinoschisis; X-Linked Juvenile Retinoschisis. Identifiers: Orphanet 792, MedGen C3714753, MONDO:0010725, OMIM 312700.

Submission:

3billion
Classification: Pathogenic for Juvenile retinoschisis. Last evaluated: 2024-01-03. Review status: criteria provided, single submitter. Criteria: ACMG Guidelines, 2015. Collection method: clinical testing. Allele origin: germline. Affected: yes.
Comment: The variant is not observed in the gnomAD v2.1.1 dataset. Predicted Consequence/Location: Frameshift: predicted to result in a loss or disruption of normal protein function through nonsense-mediated decay (NMD) or protein truncation. Multiple pathogenic variants are reported downstream of the variant. The variant has been reported to be associated with RS1 related disorder (PMID: 30215241). Therefore, this variant is classified as Pathogenic according to the recommendation of ACMG/AMP guideline.

Literature cited by the submitters: PubMed 30215241.

NM_000330.4(RS1):c.362del (p.Gln121fs)

Genes: CDKL5 (cyclin dependent kinase like 5; plus strand), RS1 (retinoschisin 1; minus strand). Cytogenetic location: Xp22.13.
Variant type: Deletion.
Coding change: c.362del on transcript NM_000330.4 (MANE Select); coding-DNA position 362, one base deleted (A; older notation c.362delA).
Protein change: p.Gln121fs; shifts the reading frame from glutamine 121.
Molecular consequence: frameshift variant. On other transcripts: intron variant (2).
Genome position (GRCh38, 1-based): chrX:18,644,590, T deleted on the plus strand (A on the coding strand, the reverse complement: RS1 is on the minus strand). VCF-style (leftmost placement, unchanged base first): chrX-18644589-CT-C. GRCh37 (hg19) VCF-style: chrX-18662709-CT-C.
Other names: c.2714-1417del (NM_003159.3, NM_001037343.2); short protein forms Q121fs.
Identifiers: ClinVar variation 3775403 (VCV003775403.1).